The following is an entry in ClinVar:

NM_000038.6(APC):c.3047A>G (p.Asp1016Gly)

Gene: APC (APC regulator of Wnt signaling pathway; plus strand). Cytogenetic location: 5q22.2.
Variant type: single nucleotide variant.
Coding change: c.3047A>G on transcript NM_000038.6 (MANE Select); coding-DNA position 3047, A replaced by G.
Protein change: p.Asp1016Gly; replaces aspartic acid 1016 with glycine.
Molecular consequence: missense variant. On other transcripts: non-coding transcript variant (2).
Genome position (GRCh38, 1-based): chr5:112,838,641, A>G. VCF-style: chr5-112838641-A-G. GRCh37 (hg19) VCF-style: chr5-112174338-A-G.
Other names: c.2993A>G, p.Asp998Gly (NM_001127511.3); c.3047A>G, p.Asp1016Gly (NM_001354895.2, NM_001407450.1, NM_001127510.3); c.3101A>G, p.Asp1034Gly (NM_001354896.2, NM_001407447.1, NM_001407448.1 and 1 more transcripts); c.3077A>G, p.Asp1026Gly (NM_001354897.2); c.2972A>G, p.Asp991Gly (NM_001354898.2); c.2963A>G, p.Asp988Gly (NM_001354899.2); c.2924A>G, p.Asp975Gly (NM_001354900.2); c.2870A>G, p.Asp957Gly (NM_001354901.2, NM_001407453.1); and 11 more; short protein forms D733G, D890G, D925G, D933G, D975G, D988G, D1026G, D1034G.
Identifiers: ClinVar variation 3668175 (VCV003668175.2).

ClinVar aggregate classification (germline): Uncertain significance (1 of 4 stars; one submission).

Conditions:
Familial adenomatous polyposis 1 (FAP1). Also called: FAMILIAL ADENOMATOUS POLYPOSIS 1, ATTENUATED; POLYPOSIS, ADENOMATOUS INTESTINAL. Identifiers: MedGen C2713442, MONDO:0021056, OMIM 175100. Disease mechanism: loss of function.

Submission:

Labcorp Genetics (formerly Invitae), Labcorp
Classification: Uncertain significance for Familial adenomatous polyposis 1. Last evaluated: 2024-05-05. Review status: criteria provided, single submitter. Criteria: Invitae Variant Classification Sherloc (09022015). Collection method: clinical testing. Allele origin: germline.
Comment: This sequence change replaces aspartic acid, which is acidic and polar, with glycine, which is neutral and non-polar, at codon 1016 of the APC protein (p.Asp1016Gly). This variant is not present in population databases (gnomAD no frequency). This variant has not been reported in the literature in individuals affected with APC-related conditions. Advanced modeling of protein sequence and biophysical properties (such as structural, functional, and spatial information, amino acid conservation, physicochemical variation, residue mobility, and thermodynamic stability) performed at Invitae indicates that this missense variant is not expected to disrupt APC protein function with a negative predictive value of 95%. In summary, the available evidence is currently insufficient to determine the role of this variant in disease. Therefore, it has been classified as a Variant of Uncertain Significance.